The following is an entry in ClinVar:

ClinVar aggregate classification (germline): Likely pathogenic (1 of 4 stars; one submission).

gnomAD v4.1: 1 of 1,609,226 alleles (0.000062%); highest among the groups gnomAD compares: Non-Finnish European, 0.000085%; no homozygotes.

Submission:

Labcorp Genetics (formerly Invitae), Labcorp
Classification: Likely pathogenic. Last evaluated: 2025-04-18. Review status: criteria provided, single submitter. Criteria: Invitae Variant Classification Sherloc (09022015). Collection method: clinical testing. Allele origin: germline.
Comment: This sequence change affects an acceptor splice site in intron 6 of the IARS2 gene. It is expected to disrupt RNA splicing. Variants that disrupt the donor or acceptor splice site typically lead to a loss of protein function (PMID: 16199547), and loss-of-function variants in IARS2 are known to be pathogenic (PMID: 33327715). This variant is not present in population databases (gnomAD no frequency). This variant has not been reported in the literature in individuals affected with IARS2-related conditions. Algorithms developed to predict the effect of sequence changes on RNA splicing suggest that this variant may disrupt the consensus splice site. In summary, the currently available evidence indicates that the variant is pathogenic, but additional data are needed to prove that conclusively. Therefore, this variant has been classified as Likely Pathogenic.

Literature cited by the submitters: PubMed 16199547; PubMed 33327715.

NM_018060.4(IARS2):c.860-1G>A

Gene: IARS2 (isoleucyl-tRNA synthetase 2, mitochondrial; plus strand). Cytogenetic location: 1q41.
Variant type: single nucleotide variant.
Coding change: c.860-1G>A on transcript NM_018060.4 (MANE Select); the canonical splice acceptor site of the intron before coding-DNA position 860, G replaced by A.
Molecular consequence: splice acceptor variant.
Genome position (GRCh38, 1-based): chr1:220,102,686, G>A. VCF-style: chr1-220102686-G-A. GRCh37 (hg19) VCF-style: chr1-220276028-G-A.
Identifiers: ClinVar variation 4716816 (VCV004716816.1).